The following is an entry in ClinVar:

NM_020338.4(ZMIZ1):c.2509C>T (p.Pro837Ser)

Gene: ZMIZ1 (zinc finger MIZ-type containing 1; plus strand). Cytogenetic location: 10q22.3.
Variant type: single nucleotide variant.
Coding change: c.2509C>T on transcript NM_020338.4 (MANE Select); coding-DNA position 2509, C replaced by T.
Protein change: p.Pro837Ser; replaces proline 837 with serine.
Molecular consequence: missense variant.
Genome position (GRCh38, 1-based): chr10:79,306,185, C>T. VCF-style: chr10-79306185-C-T. GRCh37 (hg19) VCF-style: chr10-81065942-C-T.
Other names: short protein forms P837S.
Identifiers: ClinVar variation 3899828 (VCV003899828.1).

ClinVar aggregate classification (germline): Uncertain significance (1 of 4 stars; one submission).

gnomAD v4.1: 1 of 1,614,150 alleles (0.000062%); highest among the groups gnomAD compares: Admixed American, 0.0017%; no homozygotes.

Submission:

GeneDx
Classification: Uncertain significance. Last evaluated: 2024-11-18. Review status: criteria provided, single submitter. Criteria: GeneDx Variant Classification Process June 2021. Collection method: clinical testing. Allele origin: germline. Affected: yes.
Comment: Not observed at significant frequency in large population cohorts (gnomAD); In silico analysis supports that this missense variant has a deleterious effect on protein structure/function; Has not been previously published as pathogenic or benign to our knowledge